The following is an entry in ClinVar:

NM_000260.4(MYO7A):c.5636+5A>G

Gene: MYO7A (myosin VIIA; plus strand). Cytogenetic location: 11q13.5.
Variant type: single nucleotide variant.
Coding change: c.5636+5A>G on transcript NM_000260.4 (MANE Select); 5 bases into the intron after coding-DNA position 5636, A replaced by G.
Molecular consequence: intron variant.
Genome position (GRCh38, 1-based): chr11:77,205,622, A>G. VCF-style: chr11-77205622-A-G. GRCh37 (hg19) VCF-style: chr11-76916667-A-G.
Other names: c.5489+5A>G (NM_001369365.1); c.5522+5A>G (NM_001127180.2).
Identifiers: ClinVar variation 2075582 (VCV002075582.3), dbSNP rs752608353, ClinGen allele CA6198758.
Genomic context (GRCh38, chr11:77,205,622, plus strand): 5'-CGAAAGCACTGCCCACTCGCCATCGACTGCCTGCAACGGCTCCAGAAAGCCCTGAGGTAC[A>G]GCGGCCACCAGGGGCAGGGACAGACACTGGGGCGGGCTCCTGGCCACGCGGGGCTTGTGG-3'

ClinVar aggregate classification (germline): Conflicting classifications of pathogenicity. Review status: criteria provided, conflicting classifications (1 of 4 stars). 3 submissions from 3 submitters: Uncertain significance (1); Likely benign (1). 1 of the submissions does not count toward it. Last evaluated 2024-05-03.

Conditions:
Retinal dystrophy. Also called: Inherited retinal dystrophy. Identifiers: Orphanet 71862, MedGen C0854723, MeSH D058499, MONDO:0019118, HP:0000556.

Allele frequency attached by ClinVar (database versions not stated): gnomAD exomes below 0.00001; TOPMed below 0.00001; ExAC 0.00002; gnomAD 0.00003.
gnomAD v4.1: 10 of 1,613,136 alleles (0.00062%); highest among the groups gnomAD compares: Admixed American, 0.0017%; no homozygotes.

Submissions (3):

Blueprint Genetics
Classification: Likely benign. Last evaluated: 2024-05-03. Review status: criteria provided, single submitter. Criteria: ACMG Guidelines, 2015. Collection method: clinical testing. Allele origin: germline.

Labcorp Genetics (formerly Invitae), Labcorp
Classification: Uncertain significance. Last evaluated: 2022-07-19. Review status: criteria provided, single submitter. Criteria: Invitae Variant Classification Sherloc (09022015). Collection method: clinical testing. Allele origin: germline.
Comment: This sequence change falls in intron 40 of the MYO7A gene. It does not directly change the encoded amino acid sequence of the MYO7A protein. It affects a nucleotide within the consensus splice site. This variant is present in population databases (rs752608353, gnomAD 0.005%). This variant has not been reported in the literature in individuals affected with MYO7A-related conditions. Variants that disrupt the consensus splice site are a relatively common cause of aberrant splicing (PMID: 17576681, 9536098). Algorithms developed to predict the effect of sequence changes on RNA splicing suggest that this variant is not likely to affect RNA splicing. In summary, the available evidence is currently insufficient to determine the role of this variant in disease. Therefore, it has been classified as a Variant of Uncertain Significance.

Institute of Human Genetics, Univ. Regensburg, Univ. Regensburg
Classification: Uncertain significance for Retinal dystrophy. Last evaluated: 2022-01-01. Review status: no assertion criteria provided. Criteria: ACMG Guidelines, 2015. Collection method: clinical testing. Allele origin: germline. Affected: yes. Not counted in ClinVar's aggregate classification.

Literature cited by the submitters: PubMed 17576681 (cited by Labcorp Genetics (formerly Invitae), Labcorp); PubMed 9536098 (cited by Labcorp Genetics (formerly Invitae), Labcorp).